The following is an entry in ClinVar:

ClinVar aggregate classification (germline): Pathogenic (1 of 4 stars; one submission).

Conditions:
Deficiency of malonyl-CoA decarboxylase. Also called: Malonic aciduria; MCD deficiency. Identifiers: Orphanet 943, MedGen C0342793, MONDO:0009556, OMIM 248360.

Submission:

Labcorp Genetics (formerly Invitae), Labcorp
Classification: Pathogenic for Deficiency of malonyl-CoA decarboxylase. Last evaluated: 2025-04-22. Review status: criteria provided, single submitter. Criteria: Invitae Variant Classification Sherloc (09022015). Collection method: clinical testing. Allele origin: germline.
Comment: This sequence change creates a premature translational stop signal (p.Ser191Phefs*6) in the MLYCD gene. It is expected to result in an absent or disrupted protein product. Loss-of-function variants in MLYCD are known to be pathogenic (PMID: 12955715, 17186413). This variant is present in population databases (no rsID available, gnomAD 0.0009%). This variant has not been reported in the literature in individuals affected with MLYCD-related conditions. For these reasons, this variant has been classified as Pathogenic.

Literature cited by the submitters: PubMed 12955715; PubMed 17186413.

NM_012213.3(MLYCD):c.570_571dup (p.Ser191fs)

Gene: MLYCD (malonyl-CoA decarboxylase; plus strand). Cytogenetic location: 16q23.3.
Variant type: Duplication.
Coding change: c.570_571dup on transcript NM_012213.3 (MANE Select); coding-DNA positions 570 to 571, 2 bases duplicated (TT; older notation c.570_571dupTT).
Protein change: p.Ser191fs; shifts the reading frame from serine 191.
Molecular consequence: frameshift variant.
Genome position (GRCh38, 1-based): chr16:83,907,028-83,907,029, TT duplicated; duplicating any 2 consecutive bases within chr16:83,907,026-83,907,029 gives the same sequence; the c. name uses the placement nearest the transcript's 3' end. VCF-style (leftmost placement, unchanged base first): chr16-83907025-G-GTT. GRCh37 (hg19) VCF-style: chr16-83940630-G-GTT.
Other names: short protein forms S191fs.
Identifiers: ClinVar variation 4694288 (VCV004694288.1).